The following is an entry in ClinVar:

NM_001348768.2(HECW2):c.4129G>A (p.Glu1377Lys)

Gene: HECW2 (HECT, C2 and WW domain containing E3 ubiquitin protein ligase 2; minus strand). Cytogenetic location: 2q32.3.
Variant type: single nucleotide variant.
Coding change: c.4129G>A on transcript NM_001348768.2 (MANE Select); coding-DNA position 4129, G replaced by A.
Protein change: p.Glu1377Lys; replaces glutamic acid 1377 with lysine.
Molecular consequence: missense variant.
Genome position (GRCh38, 1-based): chr2:196,222,228, C>T on the plus strand (G>A on the coding strand, the complement: HECW2 is on the minus strand). VCF-style: chr2-196222228-C-T. GRCh37 (hg19) VCF-style: chr2-197086952-C-T.
Other names: c.3061G>A, p.Glu1021Lys (NM_001304840.3); c.4129G>A, p.Glu1377Lys (NM_020760.4); short protein forms E1021K, E1377K.
Identifiers: ClinVar variation 2572210 (VCV002572210.1), dbSNP rs2468593974, ClinGen allele CA349947602.

ClinVar aggregate classification (germline): Uncertain significance (1 of 4 stars; one submission).

Allele frequency attached by ClinVar (database versions not stated): gnomAD exomes below 0.00001.
gnomAD v4.1: 3 of 1,613,476 alleles (0.00019%); highest among the groups gnomAD compares: Non-Finnish European, 0.00025%; no homozygotes.

Submission:

Greenwood Genetic Center Diagnostic Laboratories, Greenwood Genetic Center
Classification: Uncertain significance. Last evaluated: 2023-05-12. Review status: criteria provided, single submitter. Criteria: ACMG Guidelines, 2015. Collection method: clinical testing. Allele origin: germline. Affected: yes.
Comment: PM2, PP2